The following is an entry in ClinVar:

NM_001844.5(COL2A1):c.175A>G (p.Thr59Ala)

Gene: COL2A1 (collagen type II alpha 1 chain; minus strand). Cytogenetic location: 12q13.11.
Variant type: single nucleotide variant.
Coding change: c.175A>G on transcript NM_001844.5 (MANE Select); coding-DNA position 175, A replaced by G.
Protein change: p.Thr59Ala; replaces threonine 59 with alanine.
Molecular consequence: missense variant. On other transcripts: intron variant (1).
Genome position (GRCh38, 1-based): chr12:48,000,036, T>C on the plus strand (A>G on the coding strand, the complement: COL2A1 is on the minus strand). VCF-style: chr12-48000036-T-C. GRCh37 (hg19) VCF-style: chr12-48393819-T-C.
Other names: c.86-1605A>G (NM_033150.3); short protein forms T59A.
Identifiers: ClinVar variation 1307876 (VCV001307876.7), dbSNP rs376641474, ClinGen allele CA6536081.
Genomic context (GRCh38, chr12:48,000,036, plus strand): 5'-CAGGGCTGAGGCAGTCTTTCACGTCTTCACAGATTATGTCGTCGCAGAGGACAGTCCCAG[T>C]GTCACAGACACAGATCCGGCAGGGCTCCGGCTTCCACACATCCTTATCATTATACCTCTG-3'
Protein context (NP_001835.3, residues 49-69): PEPCRICVCD[Thr59Ala]GTVLCDDIIC

ClinVar aggregate classification (germline): Conflicting classifications of pathogenicity. Review status: criteria provided, conflicting classifications (1 of 4 stars). 2 submissions from 2 submitters: Uncertain significance (1); Benign (1). Last evaluated 2025-08-03.

Allele frequency attached by ClinVar (database versions not stated): gnomAD exomes below 0.00001 and 0.00002; ExAC 0.00002; gnomAD 0.00004 and 0.00005; TOPMed 0.00004; ESP Exome Variant Server 0.00008.
gnomAD v4.1: 11 of 1,613,968 alleles (0.00068%); highest among the groups gnomAD compares: African/African-American, 0.015%; no homozygotes.

Submissions (2):

Labcorp Genetics (formerly Invitae), Labcorp
Classification: Benign. Last evaluated: 2025-08-03. Review status: criteria provided, single submitter. Criteria: Invitae Variant Classification Sherloc (09022015). Collection method: clinical testing. Allele origin: germline.

GeneDx
Classification: Uncertain significance. Last evaluated: 2019-08-12. Review status: criteria provided, single submitter. Criteria: GeneDx Variant Classification Process June 2021. Collection method: clinical testing. Allele origin: germline. Affected: yes.
Comment: Not observed at a significant frequency in large population cohorts (Lek et al., 2016); In silico analysis, which includes protein predictors and evolutionary conservation, supports that this variant does not alter protein structure/function; Has not been previously published as pathogenic or benign to our knowledge; Not located in the triple helical region, where the majority of pathogenic missense variants occur (Stenson et al., 2014)